The following is an entry in ClinVar:

NM_001044385.3(TMEM237):c.725G>A (p.Trp242Ter)

Gene: TMEM237 (transmembrane protein 237; minus strand). Cytogenetic location: 2q33.1.
Variant type: single nucleotide variant.
Coding change: c.725G>A on transcript NM_001044385.3 (MANE Select); coding-DNA position 725, G replaced by A.
Protein change: p.Trp242Ter; replaces tryptophan 242 with a stop codon.
Molecular consequence: nonsense.
Genome position (GRCh38, 1-based): chr2:201,629,374, C>T on the plus strand (G>A on the coding strand, the complement: TMEM237 is on the minus strand). VCF-style: chr2-201629374-C-T. GRCh37 (hg19) VCF-style: chr2-202494097-C-T.
Other names: c.725G>A (NM_001044385.2); c.701G>A, p.Trp234Ter (NM_152388.4); short protein forms W234*, W242*.
Identifiers: ClinVar variation 2147441 (VCV002147441.6), dbSNP rs776665329, ClinGen allele CA2056403.

ClinVar aggregate classification (germline): Pathogenic/Likely pathogenic. Review status: criteria provided, multiple submitters, no conflicts (2 of 4 stars). 3 submissions from 3 submitters: Pathogenic (1); Likely pathogenic (2). Last evaluated 2025-06-12.

Conditions:
Joubert syndrome and related disorders. Identifiers: Orphanet 140874, MedGen C5679612, MONDO:0015369.
TMEM237-related disorder. Also called: TMEM237-related condition.
Joubert syndrome 14 (JBTS14). Identifiers: MedGen C3280766, MONDO:0013745, OMIM 614424.

Allele frequency attached by ClinVar (database versions not stated): ExAC 0.00002; gnomAD 0.00002; TOPMed 0.00004.
gnomAD v4.1: 3 of 1,600,666 alleles (0.00019%); highest among the groups gnomAD compares: African/African-American, 0.004%; no homozygotes.

Submissions (3):

Labcorp Genetics (formerly Invitae), Labcorp
Classification: Pathogenic for Joubert syndrome 14. Last evaluated: 2025-06-12. Review status: criteria provided, single submitter. Criteria: Invitae Variant Classification Sherloc (09022015). Collection method: clinical testing. Allele origin: germline.
Comment: This sequence change creates a premature translational stop signal (p.Trp242*) in the TMEM237 gene. It is expected to result in an absent or disrupted protein product. Loss-of-function variants in TMEM237 are known to be pathogenic (PMID: 22152675). This variant is present in population databases (rs776665329, gnomAD 0.01%). This variant has not been reported in the literature in individuals affected with TMEM237-related conditions. ClinVar contains an entry for this variant (Variation ID: 2147441). Algorithms developed to predict the effect of sequence changes on RNA splicing suggest that this variant may disrupt the consensus splice site. For these reasons, this variant has been classified as Pathogenic.

Women's Health and Genetics/Laboratory Corporation of America, LabCorp
Classification: Likely pathogenic for Joubert syndrome and related disorders. Last evaluated: 2023-02-07. Review status: criteria provided, single submitter. Criteria: LabCorp Variant Classification Summary - May 2015. Collection method: clinical testing. Allele origin: germline.
Comment: Variant summary: TMEM237 c.725G>A (p.Trp242X) results in a premature termination codon, predicted to cause a truncation of the encoded protein or absence of the protein due to nonsense mediated decay, which are commonly known mechanisms for disease. Truncations downstream of this position have been classified as pathogenic in ClinVar and are associated with Joubert syndrome and related disorders in HGMD. The variant allele was found at a frequency of 8.6e-06 in 232936 control chromosomes. The available data on variant occurrences in the general population are insufficient to allow any conclusion about variant significance. To our knowledge, no occurrence of c.725G>A in individuals affected with Joubert Syndrome And Related Disorders and no experimental evidence demonstrating its impact on protein function have been reported. No clinical diagnostic laboratories have submitted clinical-significance assessments for this variant to ClinVar after 2014. Based on the evidence outlined above, the variant was classified as likely pathogenic.

Blueprint Genetics
Classification: Likely pathogenic for TMEM237-related disorders. Last evaluated: 2022-11-06. Review status: criteria provided, single submitter. Criteria: ACMG Guidelines, 2015. Collection method: clinical testing. Allele origin: germline. Affected: yes. Observed: 1 variant allele.

Literature cited by the submitters: PubMed 22152675 (cited by Labcorp Genetics (formerly Invitae), Labcorp).